The following is an entry in ClinVar:

NM_181458.4(PAX3):c.1121C>T (p.Ser374Leu)

Genes: PAX3 (paired box 3; minus strand), LOC126806529 (CDK7 strongly-dependent group 2 enhancer GRCh37_chr2:223084735-223085934; plus strand). Cytogenetic location: 2q36.1.
Variant type: single nucleotide variant.
Coding change: c.1121C>T on transcript NM_181458.4 (MANE Select); coding-DNA position 1121, C replaced by T.
Protein change: p.Ser374Leu; replaces serine 374 with leucine.
Molecular consequence: missense variant.
Genome position (GRCh38, 1-based): chr2:222,220,192, G>A on the plus strand (C>T on the coding strand, the complement: PAX3 is on the minus strand). VCF-style: chr2-222220192-G-A. GRCh37 (hg19) VCF-style: chr2-223084911-G-A.
Other names: c.1118C>T, p.Ser373Leu (NM_001127366.3); c.1121C>T, p.Ser374Leu (NM_181457.4, NM_181459.4, NM_181460.4 and 1 more transcripts); short protein forms S374L, S373L.
Identifiers: ClinVar variation 2155770 (VCV002155770.4), dbSNP rs45607236, ClinGen allele CA66332041.

ClinVar aggregate classification (germline): Uncertain significance (1 of 4 stars; one submission).

Allele frequency attached by ClinVar (database versions not stated): gnomAD exomes 0.00001; gnomAD 0.00011; TOPMed 0.00015.
gnomAD v4.1: 39 of 1,613,774 alleles (0.0024%); highest among the groups gnomAD compares: Admixed American, 0.043%; no homozygotes.

Submission:

Labcorp Genetics (formerly Invitae), Labcorp
Classification: Uncertain significance. Last evaluated: 2022-04-12. Review status: criteria provided, single submitter. Criteria: Invitae Variant Classification Sherloc (09022015). Collection method: clinical testing. Allele origin: germline.
Comment: This sequence change replaces serine, which is neutral and polar, with leucine, which is neutral and non-polar, at codon 374 of the PAX3 protein (p.Ser374Leu). In summary, the available evidence is currently insufficient to determine the role of this variant in disease. Therefore, it has been classified as a Variant of Uncertain Significance. Algorithms developed to predict the effect of missense changes on protein structure and function are either unavailable or do not agree on the potential impact of this missense change (SIFT: "Deleterious"; PolyPhen-2: "Benign"; Align-GVGD: "Class C0"). This variant has not been reported in the literature in individuals affected with PAX3-related conditions. This variant is present in population databases (rs45607236, gnomAD 0.02%).